The following is an entry in ClinVar:

NM_002878.4(RAD51D):c.190T>C (p.Phe64Leu)

Genes: RAD51L3-RFFL (RAD51L3-RFFL readthrough; minus strand), RAD51D (RAD51 paralog D; minus strand). Cytogenetic location: 17q12.
Variant type: single nucleotide variant.
Coding change: c.190T>C on transcript NM_002878.4 (MANE Select); coding-DNA position 190, T replaced by C.
Protein change: p.Phe64Leu; replaces phenylalanine 64 with leucine.
Molecular consequence: missense variant. On other transcripts: intron variant (2).
Genome position (GRCh38, 1-based): chr17:35,118,574, A>G on the plus strand (T>C on the coding strand, the complement: RAD51D is on the minus strand). VCF-style: chr17-35118574-A-G. GRCh37 (hg19) VCF-style: chr17-33445593-A-G.
Other names: c.144+537T>C (NM_133629.3, NM_001142571.2); short protein forms F64L.
Identifiers: ClinVar variation 1057566 (VCV001057566.13), dbSNP rs371182137, ClinGen allele CA8499632.

ClinVar aggregate classification (germline): Uncertain significance. Review status: criteria provided, multiple submitters, no conflicts (2 of 4 stars). 3 submissions from 3 submitters: Uncertain significance (3). Last evaluated 2024-11-05.

Conditions:
Breast-ovarian cancer, familial, susceptibility to, 4. Identifiers: Orphanet 145, MedGen C3280345, MONDO:0013669, OMIM 614291.
RAD51D-related disorder. Also called: RAD51D-related condition.
Hereditary cancer-predisposing syndrome. Also called: Hereditary Cancer Syndrome; Tumor predisposition; Hereditary neoplastic syndrome; Neoplastic Syndromes, Hereditary. Identifiers: Orphanet 140162, MedGen C0027672, MeSH D009386, MONDO:0015356.

Allele frequency attached by ClinVar (database versions not stated): gnomAD exomes below 0.00001.
gnomAD v4.1: 1 of 1,614,218 alleles (0.000062%); highest among the groups gnomAD compares: Non-Finnish European, 0.000085%; no homozygotes.

Submissions (3):

Labcorp Genetics (formerly Invitae), Labcorp
Classification: Uncertain significance for Breast-ovarian cancer, familial, susceptibility to, 4. Last evaluated: 2024-11-05. Review status: criteria provided, single submitter. Criteria: Invitae Variant Classification Sherloc (09022015). Collection method: clinical testing. Allele origin: germline.
Comment: This sequence change replaces phenylalanine, which is neutral and non-polar, with leucine, which is neutral and non-polar, at codon 64 of the RAD51D protein (p.Phe64Leu). This variant is present in population databases (rs371182137, gnomAD 0.0009%). This variant has not been reported in the literature in individuals affected with RAD51D-related conditions. ClinVar contains an entry for this variant (Variation ID: 1057566). Invitae Evidence Modeling of protein sequence and biophysical properties (such as structural, functional, and spatial information, amino acid conservation, physicochemical variation, residue mobility, and thermodynamic stability) indicates that this missense variant is not expected to disrupt RAD51D protein function with a negative predictive value of 80%. In summary, the available evidence is currently insufficient to determine the role of this variant in disease. Therefore, it has been classified as a Variant of Uncertain Significance.

Ambry Genetics
Classification: Uncertain significance for Hereditary cancer-predisposing syndrome. Last evaluated: 2024-07-03. Review status: criteria provided, single submitter. Criteria: Ambry Variant Classification Scheme 2023. Collection method: clinical testing. Allele origin: germline.
Comment: The p.F64L variant (also known as c.190T>C), located in coding exon 3 of the RAD51D gene, results from a T to C substitution at nucleotide position 190. The phenylalanine at codon 64 is replaced by leucine, an amino acid with highly similar properties. This amino acid position is well conserved in available vertebrate species. In addition, this alteration is predicted to be tolerated by in silico analysis. Since supporting evidence is limited at this time, the clinical significance of this alteration remains unclear.

PreventionGenetics, part of Exact Sciences
Classification: Uncertain significance for RAD51D-related condition. Last evaluated: 2023-08-09. Review status: criteria provided, single submitter. Criteria: ACMG Guidelines, 2015. Collection method: clinical testing. Allele origin: germline.
Comment: The RAD51D c.190T>C variant is predicted to result in the amino acid substitution p.Phe64Leu. To our knowledge, this variant has not been reported in the literature. This variant is reported in 1 of ~251,000 alleles in gnomAD. It is interpreted as uncertain significance in ClinVar. At this time, the clinical significance of this variant is uncertain due to the absence of conclusive functional and genetic evidence.